The following is an entry in ClinVar:

NM_005996.4(TBX3):c.1324A>G (p.Thr442Ala)

Gene: TBX3 (T-box transcription factor 3; minus strand). Cytogenetic location: 12q24.21.
Variant type: single nucleotide variant.
Coding change: c.1324A>G on transcript NM_005996.4 (MANE Select); coding-DNA position 1324, A replaced by G.
Protein change: p.Thr442Ala; replaces threonine 442 with alanine.
Molecular consequence: missense variant.
Genome position (GRCh38, 1-based): chr12:114,674,551, T>C on the plus strand (A>G on the coding strand, the complement: TBX3 is on the minus strand). VCF-style: chr12-114674551-T-C. GRCh37 (hg19) VCF-style: chr12-115112356-T-C.
Other names: c.1384A>G, p.Thr462Ala (NM_016569.4); short protein forms T442A, T462A.
Identifiers: ClinVar variation 2915182 (VCV002915182.3), dbSNP rs1480230095, ClinGen allele CA386869167.

ClinVar aggregate classification (germline): Uncertain significance (1 of 4 stars; one submission).

Conditions:
Ulnar-mammary syndrome (UMS). Also called: Ulnar-mammary syndrome of Pallister; PALLISTER ULNAR-MAMMARY SYNDROME; SCHINZEL SYNDROME. Identifiers: Orphanet 3138, MedGen C1866994, MONDO:0008411, OMIM 181450.

Allele frequency attached by ClinVar (database versions not stated): TOPMed 0.00002.
gnomAD v4.1: 1 of 1,554,998 alleles (0.000064%); highest among the groups gnomAD compares: Non-Finnish European, 0.000087%; no homozygotes.

Submission:

Labcorp Genetics (formerly Invitae), Labcorp
Classification: Uncertain significance for Ulnar-mammary syndrome. Last evaluated: 2024-12-18. Review status: criteria provided, single submitter. Criteria: Invitae Variant Classification Sherloc (09022015). Collection method: clinical testing. Allele origin: germline.
Comment: This sequence change replaces threonine, which is neutral and polar, with alanine, which is neutral and non-polar, at codon 442 of the TBX3 protein (p.Thr442Ala). This variant is not present in population databases (gnomAD no frequency). This variant has not been reported in the literature in individuals affected with TBX3-related conditions. ClinVar contains an entry for this variant (Variation ID: 2915182). An algorithm developed to predict the effect of missense changes on protein structure and function outputs the following: PolyPhen-2: "Benign". The alanine amino acid residue is found in multiple mammalian species, which suggests that this missense change does not adversely affect protein function. In summary, the available evidence is currently insufficient to determine the role of this variant in disease. Therefore, it has been classified as a Variant of Uncertain Significance.